The following is an entry in ClinVar:

NM_144599.5(NIPA1):c.*2781G>T

Gene: NIPA1 (NIPA magnesium transporter 1; plus strand). Cytogenetic location: 15q11.2.
Variant type: single nucleotide variant.
Coding change: c.*2781G>T on transcript NM_144599.5 (MANE Select); 2781 bases downstream of the stop codon, G replaced by T.
Molecular consequence: 3 prime UTR variant.
Genome position (GRCh38, 1-based): chr15:22,827,020, G>T. VCF-style: chr15-22827020-G-T. GRCh37 (hg19) VCF-style: chr15-23046048-C-A.
Other names: c.*2781G>T (NM_001142275.1).
Identifiers: ClinVar variation 884959 (VCV000884959.4), dbSNP rs192859420, ClinGen allele CA267609363.

ClinVar aggregate classification (germline): Likely benign (1 of 4 stars; one submission).

Conditions:
Hereditary spastic paraplegia 6 (SPG6). Also called: SPASTIC PARAPLEGIA 6, AUTOSOMAL DOMINANT. Identifiers: Orphanet 100988, MedGen C1838192, MONDO:0010878, OMIM 600363.

Allele frequency attached by ClinVar (database versions not stated): 1000 Genomes Project 30x 0.00078; 1000 Genomes Project 0.00100; TOPMed 0.00133.
gnomAD v4.1: 195 of 152,012 alleles (0.13%); highest among the groups gnomAD compares: African/African-American, 0.45%; 4 homozygotes.

Submission:

Illumina Laboratory Services, Illumina
Classification: Likely benign for Hereditary spastic paraplegia 6. Last evaluated: 2018-01-12. Review status: criteria provided, single submitter. Criteria: ICSL Variant Classification Criteria 13 December 2019. Collection method: clinical testing. Allele origin: germline.
Comment: This variant was observed in the ICSL laboratory as part of a predisposition screen in an ostensibly healthy population. It had not been previously curated by ICSL or reported in the Human Gene Mutation Database (HGMD: prior to June 1st, 2018), and was therefore a candidate for classification through an automated scoring system. Utilizing variant allele frequency, disease prevalence and penetrance estimates, and inheritance mode, an automated score was calculated to assess if this variant is too frequent to cause the disease. Based on the score and internal cut-off values, a variant classified as likely benign is not then subjected to further curation. The score for this variant resulted in a classification of likely benign for this disease.